The following is an entry in ClinVar:

NM_000274.4(OAT):c.749G>C (p.Arg250Pro)

Genes: OAT (ornithine aminotransferase; minus strand), LOC121815974 (Sharpr-MPRA regulatory region 15365; plus strand). Cytogenetic location: 10q26.13.
Variant type: single nucleotide variant.
Coding change: c.749G>C on transcript NM_000274.4 (MANE Select); coding-DNA position 749, G replaced by C.
Protein change: p.Arg250Pro; replaces arginine 250 with proline.
Molecular consequence: missense variant.
Genome position (GRCh38, 1-based): chr10:124,403,820, C>G on the plus strand (G>C on the coding strand, the complement: OAT is on the minus strand). VCF-style: chr10-124403820-C-G. GRCh37 (hg19) VCF-style: chr10-126092389-C-G.
Other names: c.149G>C, p.Arg50Pro (NM_001322974.2); c.335G>C, p.Arg112Pro (NM_001171814.2); c.749G>C, p.Arg250Pro (NM_001322965.2, NM_001322966.2, NM_001322967.2 and 3 more transcripts); c.428G>C, p.Arg143Pro (NM_001322971.2); short protein forms R250P, R112P, R143P, R50P.
Identifiers: ClinVar variation 169 (VCV000000169.2), dbSNP rs121965052, ClinGen allele CA113978.

ClinVar aggregate classification (germline): Uncertain significance. Review status: criteria provided, single submitter (1 of 4 stars). 2 submissions from 2 submitters: Uncertain significance (1). 1 of the submissions does not count toward it. Last evaluated 2025-10-24.

Conditions:
Ornithine aminotransferase deficiency (GACR). Also called: OKT DEFICIENCY; Ornithine ketoacid aminotransferase deficiency; Gyrate atrophy; Gyrate atrophy of choroid and retina; Girate atrophy of the retina; HYPERORNITHINEMIA WITH GYRATE ATROPHY OF CHOROID AND RETINA. Identifiers: Orphanet 414, MedGen C0018425, MONDO:0009796, OMIM 258870.

Submissions (2):

Myriad Genetics, Inc.
Classification: Uncertain significance for Ornithine aminotransferase deficiency. Last evaluated: 2025-10-24. Review status: criteria provided, single submitter. Criteria: Myriad Autosomal Dominant, Autosomal Recessive and X-Linked Classification Criteria (2023). Collection method: clinical testing. Allele origin: unknown.
Comment: NM_000274.3(OAT):c.749G>C(R250P) is a missense variant classified as a variant of uncertain significance in the context of ornithine aminotransferase deficiency. R250P has been observed in a case with relevant disease (PMID: 1737786). Relevant functional assessments of this variant are not available in the literature. R250P has not been observed in referenced population frequency databases. In summary, there is insufficient evidence to classify NM_000274.3(OAT):c.749G>C(R250P) as pathogenic or benign. Please note: this variant was assessed in the context of healthy population screening.

OMIM
Classification: Pathogenic for GYRATE ATROPHY OF CHOROID AND RETINA. Last evaluated: 1992-06-01. Review status: no assertion criteria provided. Collection method: literature only. Allele origin: germline. Not counted in ClinVar's aggregate classification.

Literature cited by the submitters: PubMed 1737786 (cited by Myriad Genetics, Inc.); PubMed 1612597 (cited by OMIM).